The following is an entry in ClinVar:

ClinVar aggregate classification (germline): Likely benign. Review status: criteria provided, multiple submitters, no conflicts (2 of 4 stars). 4 submissions from 4 submitters: Likely benign (3). 1 of the submissions does not count toward it. Last evaluated 2026-03-01.

Conditions:
APP-related disorder. Also called: APP-related condition.
Alzheimer disease. Also called: Alzheimer's disease; Presenile and senile dementia. Identifiers: Orphanet 1020, MedGen C0002395, MeSH D000544, MONDO:0004975, HP:0002511.

Allele frequency attached by ClinVar (database versions not stated): ExAC 0.00002; gnomAD exomes 0.00003 and 0.00005; TOPMed 0.00006.
gnomAD v4.1: 86 of 1,614,088 alleles (0.0053%); highest among the groups gnomAD compares: Non-Finnish European, 0.0069%; no homozygotes.

Submissions (4):

CeGaT Center for Human Genetics Tuebingen
Classification: Likely benign. Last evaluated: 2026-03-01. Review status: criteria provided, single submitter. Criteria: CeGaT Center For Human Genetics Tuebingen Variant Classification Criteria Version 2. Collection method: clinical testing. Allele origin: germline. Affected: yes. Observed: 1 variant allele.
Comment: APP: BP4, BP7

Labcorp Genetics (formerly Invitae), Labcorp
Classification: Likely benign for Alzheimer disease. Last evaluated: 2024-06-06. Review status: criteria provided, single submitter. Criteria: Invitae Variant Classification Sherloc (09022015). Collection method: clinical testing. Allele origin: germline.

Blueprint Genetics
Classification: Likely benign. Last evaluated: 2024-05-09. Review status: criteria provided, single submitter. Criteria: ACMG Guidelines, 2015. Collection method: clinical testing. Allele origin: germline.

PreventionGenetics, part of Exact Sciences
Classification: Likely benign for APP-related condition. Last evaluated: 2024-08-05. Review status: no assertion criteria provided. Collection method: clinical testing. Allele origin: germline. Not counted in ClinVar's aggregate classification.
Comment: This variant is classified as likely benign based on ACMG/AMP sequence variant interpretation guidelines (Richards et al. 2015 PMID: 25741868, with internal and published modifications).

NM_000484.4(APP):c.1722T>C (p.Asp574=)

Gene: APP (amyloid beta precursor protein; minus strand). Cytogenetic location: 21q21.3.
Variant type: single nucleotide variant.
Coding change: c.1722T>C on transcript NM_000484.4 (MANE Select); coding-DNA position 1722, T replaced by C.
Protein change: p.Asp574=; no amino-acid change (aspartic acid 574 retained).
Molecular consequence: synonymous variant.
Genome position (GRCh38, 1-based): chr21:25,911,928, A>G on the plus strand (T>C on the coding strand, the complement: APP is on the minus strand). VCF-style: chr21-25911928-A-G. GRCh37 (hg19) VCF-style: chr21-27284240-A-G.
Other names: c.1722T>C (NM_000484.3); c.1650T>C, p.Asp550= (NM_001136016.3); c.1329T>C, p.Asp443= (NM_001136129.3); c.1554T>C, p.Asp518= (NM_001136130.3, NM_001385253.1); c.1392T>C, p.Asp464= (NM_001136131.3); c.1722T>C, p.Asp574= (NM_001204301.2); c.1665T>C, p.Asp555= (NM_001204302.2, NM_201413.3); c.1497T>C, p.Asp499= (NM_001204303.2, NM_201414.3).
Identifiers: ClinVar variation 1113753 (VCV001113753.15), dbSNP rs201794320, ClinGen allele CA9987213.